The following is an entry in ClinVar:

NM_022132.5(MCCC2):c.1178A>C (p.Gln393Pro)

Gene: MCCC2 (methylcrotonyl-CoA carboxylase subunit 2; plus strand). Cytogenetic location: 5q13.2.
Variant type: single nucleotide variant.
Coding change: c.1178A>C on transcript NM_022132.5 (MANE Select); coding-DNA position 1178, A replaced by C.
Protein change: p.Gln393Pro; replaces glutamine 393 with proline.
Molecular consequence: missense variant.
Genome position (GRCh38, 1-based): chr5:71,646,239, A>C. VCF-style: chr5-71646239-A-C. GRCh37 (hg19) VCF-style: chr5-70942066-A-C.
Other names: c.1064A>C, p.Gln355Pro (NM_001363147.1); short protein forms Q393P, Q355P.
Identifiers: ClinVar variation 1407298 (VCV001407298.5), dbSNP rs750782118, ClinGen allele CA359994416.

ClinVar aggregate classification (germline): Uncertain significance (1 of 4 stars; one submission).

Conditions:
3-methylcrotonyl-CoA carboxylase 2 deficiency. Also called: 3 alpha methylcrotonyl-CoA carboxylase 2 deficiency; 3 alpha methylcrotonylglycinuria 2; MCC 2 deficiency; Methylcrotonylglycinuria type 2; METHYLCROTONYLGLYCINURIA, TYPE II. Identifiers: Orphanet 6, MedGen C1859499, MONDO:0008862, OMIM 210210.

Allele frequency attached by ClinVar (database versions not stated): gnomAD 0.00001; TOPMed 0.00002.
gnomAD v4.1: 5 of 1,613,798 alleles (0.00031%); highest among the groups gnomAD compares: African/African-American, 0.0053%; no homozygotes.

Submission:

Labcorp Genetics (formerly Invitae), Labcorp
Classification: Uncertain significance for 3-methylcrotonyl-CoA carboxylase 2 deficiency. Last evaluated: 2021-09-01. Review status: criteria provided, single submitter. Criteria: Invitae Variant Classification Sherloc (09022015). Collection method: clinical testing. Allele origin: germline.
Comment: This sequence change replaces glutamine with proline at codon 393 of the MCCC2 protein (p.Gln393Pro). The glutamine residue is highly conserved and there is a moderate physicochemical difference between glutamine and proline. This variant is not present in population databases (ExAC no frequency). This missense change has been observed in individual(s) with 3-methylcrotonyl-CoA carboxylase deficiency (Invitae). Algorithms developed to predict the effect of missense changes on protein structure and function are either unavailable or do not agree on the potential impact of this missense change (SIFT: "Deleterious"; PolyPhen-2: "Probably Damaging"; Align-GVGD: "Class C0"). In summary, the available evidence is currently insufficient to determine the role of this variant in disease. Therefore, it has been classified as a Variant of Uncertain Significance.